The following is an entry in ClinVar:

NM_031844.3(HNRNPU):c.1008T>A (p.Phe336Leu)

Gene: HNRNPU (heterogeneous nuclear ribonucleoprotein U; minus strand). Cytogenetic location: 1q44.
Variant type: single nucleotide variant.
Coding change: c.1008T>A on transcript NM_031844.3 (MANE Select); coding-DNA position 1008, T replaced by A.
Protein change: p.Phe336Leu; replaces phenylalanine 336 with leucine.
Molecular consequence: missense variant.
Genome position (GRCh38, 1-based): chr1:244,860,344, A>T on the plus strand (T>A on the coding strand, the complement: HNRNPU is on the minus strand). VCF-style: chr1-244860344-A-T. GRCh37 (hg19) VCF-style: chr1-245023646-A-T.
Other names: c.951T>A, p.Phe317Leu (NM_004501.3); short protein forms F317L, F336L.
Identifiers: ClinVar variation 3613851 (VCV003613851.2).

ClinVar aggregate classification (germline): Uncertain significance (1 of 4 stars; one submission).

Conditions:
Developmental and epileptic encephalopathy, 54. Also called: Epileptic encephalopathy, early infantile, 54; HNRNPU-Related Neurodevelopmental Disorder. Identifiers: MedGen C4479319, MONDO:0033363, OMIM 617391.

Submission:

Labcorp Genetics (formerly Invitae), Labcorp
Classification: Uncertain significance for Developmental and epileptic encephalopathy, 54. Last evaluated: 2024-09-30. Review status: criteria provided, single submitter. Criteria: Invitae Variant Classification Sherloc (09022015). Collection method: clinical testing. Allele origin: germline.
Comment: This sequence change replaces phenylalanine, which is neutral and non-polar, with leucine, which is neutral and non-polar, at codon 336 of the HNRNPU protein (p.Phe336Leu). This variant is not present in population databases (gnomAD no frequency). This variant has not been reported in the literature in individuals affected with HNRNPU-related conditions. Invitae Evidence Modeling of protein sequence and biophysical properties (such as structural, functional, and spatial information, amino acid conservation, physicochemical variation, residue mobility, and thermodynamic stability) indicates that this missense variant is expected to disrupt HNRNPU protein function with a positive predictive value of 80%. In summary, the available evidence is currently insufficient to determine the role of this variant in disease. Therefore, it has been classified as a Variant of Uncertain Significance.